The following is an entry in ClinVar:

NM_003309.4(TSPYL1):c.649G>A (p.Glu217Lys)

Genes: DSE (dermatan sulfate epimerase; plus strand), TSPYL1 (TSPY like 1; minus strand). Cytogenetic location: 6q22.1.
Variant type: single nucleotide variant.
Coding change: c.649G>A on transcript NM_003309.4 (MANE Select); coding-DNA position 649, G replaced by A.
Protein change: p.Glu217Lys; replaces glutamic acid 217 with lysine.
Molecular consequence: missense variant. On other transcripts: intron variant (6).
Genome position (GRCh38, 1-based): chr6:116,279,182, C>T on the plus strand (G>A on the coding strand, the complement: TSPYL1 is on the minus strand). VCF-style: chr6-116279182-C-T. GRCh37 (hg19) VCF-style: chr6-116600345-C-T.
Other names: c.-954+20215C>T (NM_001374520.1); c.-54+20215C>T (NM_001322937.2, NM_001322938.2, NM_001374522.1); c.-641+20215C>T (NM_001374521.1); c.-611+20215C>T (NM_001322940.2); short protein forms E217K.
Identifiers: ClinVar variation 4681440 (VCV004681440.5).

ClinVar aggregate classification (germline): Uncertain significance (1 of 4 stars; one submission).

gnomAD v4.1: 4 of 1,611,892 alleles (0.00025%); highest among the groups gnomAD compares: Non-Finnish European, 0.00034%; no homozygotes.

Submission:

CeGaT Center for Human Genetics Tuebingen
Classification: Uncertain significance. Last evaluated: 2025-12-01. Review status: criteria provided, single submitter. Criteria: CeGaT Center For Human Genetics Tuebingen Variant Classification Criteria Version 2. Collection method: clinical testing. Allele origin: germline. Affected: yes. Observed: 1 variant allele.
Comment: TSPYL1: PM2, BP4